The following is an entry in ClinVar:

ClinVar aggregate classification (germline): Benign/Likely benign. Review status: criteria provided, multiple submitters, no conflicts (2 of 4 stars). 12 submissions from 12 submitters: Benign (6); Likely benign (3). 3 of the submissions do not count toward it. Last evaluated 2026-02-04.

Conditions:
Nemaline myopathy 2 (NEM2). Also called: Nemaline myopathy 2, autosomal recessive. Identifiers: MedGen C1850569, MONDO:0009725, OMIM 256030.

Allele frequency attached by ClinVar (database versions not stated): 1000 Genomes Project 0.00619; 1000 Genomes Project 30x 0.00703; TOPMed 0.01582; gnomAD 0.01651 and 0.01730; gnomAD exomes 0.01745 and 0.02394; ESP Exome Variant Server 0.02063; ExAC 0.02455.
gnomAD v4.1: 36,997 of 1,609,282 alleles (2.3%); highest among the groups gnomAD compares: Non-Finnish European, 2.8%; 531 homozygotes.

Submissions (12):

Labcorp Genetics (formerly Invitae), Labcorp
Classification: Benign for Nemaline myopathy 2. Last evaluated: 2026-02-04. Review status: criteria provided, single submitter. Criteria: Invitae Variant Classification Sherloc (09022015). Collection method: clinical testing. Allele origin: germline.

Blueprint Genetics
Classification: Likely benign. Last evaluated: 2024-11-21. Review status: criteria provided, single submitter. Criteria: ACMG Guidelines, 2015. Collection method: clinical testing. Allele origin: germline.

Women's Health and Genetics/Laboratory Corporation of America, LabCorp
Classification: Benign. Last evaluated: 2019-06-24. Review status: criteria provided, single submitter. Criteria: LabCorp Variant Classification Summary - May 2015. Collection method: clinical testing. Allele origin: germline.
Comment: Variant summary: NEB c.23486C>T (p.Ser7829Leu) results in a non-conservative amino acid change in the encoded protein sequence. Three of five in-silico tools predict a damaging effect of the variant on protein function. The variant allele was found at a frequency of 0.017 in 242286 control chromosomes in the gnomAD database, including 50 homozygotes. The observed variant frequency is approximately 5-folds higher than the estimated maximal expected allele frequency for a pathogenic variant in NEB causing Nemaline Myopathy 2 phenotype (0.0035), strongly suggesting that the variant is benign. To our knowledge, no occurrence of c.23486C>T in individuals affected with Nemaline Myopathy 2 and no experimental evidence demonstrating its impact on protein function have been reported. Four ClinVar submissions from clinical diagnostic laboratories (evaluation after 2014) cite the variant as likely benign/benign. Based on the evidence outlined above, the variant was classified as benign.

Illumina Laboratory Services, Illumina
Classification: Benign for Nemaline myopathy 2. Last evaluated: 2018-01-13. Review status: criteria provided, single submitter. Criteria: ICSL Variant Classification Criteria 13 December 2019. Collection method: clinical testing. Allele origin: germline.
Comment: This variant was observed in the ICSL laboratory as part of a predisposition screen in an ostensibly healthy population. It had not been previously curated by ICSL or reported in the Human Gene Mutation Database (HGMD: prior to June 1st, 2018), and was therefore a candidate for classification through an automated scoring system. Utilizing variant allele frequency, disease prevalence and penetrance estimates, and inheritance mode, an automated score was calculated to assess if this variant is too frequent to cause the disease. Based on the score and internal cut-off values, a variant classified as benign is not then subjected to further curation. The score for this variant resulted in a classification of benign for this disease.

Mayo Clinic Laboratories, Mayo Clinic
Classification: Benign. Last evaluated: 2018-01-12. Review status: criteria provided, single submitter. Criteria: ACMG Guidelines, 2015. Collection method: clinical testing. Allele origin: germline. Observed: 32 variant alleles.

GeneDx
Classification: Benign. Last evaluated: 2015-12-22. Review status: criteria provided, single submitter. Criteria: GeneDx Variant Classification (06012015). Collection method: clinical testing. Allele origin: germline. Affected: yes.
Comment: This variant is considered likely benign or benign based on one or more of the following criteria: it is a conservative change, it occurs at a poorly conserved position in the protein, it is predicted to be benign by multiple in silico algorithms, and/or has population frequency not consistent with disease.

Laboratory for Molecular Medicine, Mass General Brigham Personalized Medicine
Classification: Benign. Last evaluated: 2015-01-13. Review status: criteria provided, single submitter. Criteria: LMM Criteria. Collection method: clinical testing. Allele origin: germline. Observed: 2 variant alleles.
Comment: p.Ser7829Leu in exon 163 of NEB: This variant is not expected to have clinical s ignificance because it has been identified in 2.7% (223/8186) of European Americ an chromosomes from a broad population by the NHLBI Exome Sequencing Project (dbSNP rs41270201).

Breakthrough Genomics
Classification: Likely benign. Review status: criteria provided, single submitter. Criteria: ACMG Guidelines, 2015. Collection method: not provided. Allele origin: germline. Inheritance: Autosomal recessive inheritance. Affected: yes.

PreventionGenetics, part of Exact Sciences
Classification: Likely benign. Review status: criteria provided, single submitter. Criteria: ACMG Guidelines, 2015. Collection method: clinical testing. Allele origin: germline.

Genetic Services Laboratory, University of Chicago
Classification: Likely benign for AllHighlyPenetrant. Review status: no assertion criteria provided. Collection method: clinical testing. Allele origin: germline. Inheritance: Autosomal recessive inheritance. Not counted in ClinVar's aggregate classification.
Comment: Likely benign based on allele frequency in 1000 Genomes Project or ESP global frequency and its presence in a patient with a rare or unrelated disease phenotype. NOT Sanger confirmed.

Genome Diagnostics Laboratory, University Medical Center Utrecht
Classification: Benign. Review status: no assertion criteria provided. Collection method: clinical testing. Allele origin: germline. Affected: yes. Study: VKGL Data-share Consensus. Not counted in ClinVar's aggregate classification.

Laboratory of Diagnostic Genome Analysis, Leiden University Medical Center (LUMC)
Classification: Likely benign. Review status: no assertion criteria provided. Collection method: clinical testing. Allele origin: germline. Affected: yes. Study: VKGL Data-share Consensus. Not counted in ClinVar's aggregate classification.

Literature cited by the submitters: PubMed 24972929 (cited by Women's Health and Genetics/Laboratory Corporation of America, LabCorp); PubMed 29689380 (cited by Women's Health and Genetics/Laboratory Corporation of America, LabCorp).

NM_001164508.2(NEB):c.23381C>T (p.Ser7794Leu)

Genes: NEB (nebulin; minus strand), RIF1 (replication timing regulatory factor 1; plus strand). Cytogenetic location: 2q23.3.
Variant type: single nucleotide variant.
Coding change: c.23381C>T on transcript NM_001164508.2 (MANE Select); coding-DNA position 23381, C replaced by T.
Protein change: p.Ser7794Leu; replaces serine 7794 with leucine.
Molecular consequence: missense variant.
Genome position (GRCh38, 1-based): chr2:151,508,075, G>A on the plus strand (C>T on the coding strand, the complement: NEB is on the minus strand). VCF-style: chr2-151508075-G-A. GRCh37 (hg19) VCF-style: chr2-152364589-G-A.
Other names: c.23381C>T, p.Ser7794Leu (NM_001164507.2); c.23486C>T, p.Ser7829Leu (NM_001271208.2); c.18278C>T, p.Ser6093Leu (NM_004543.5); short protein forms S7829L, S6093L, S7794L.
Identifiers: ClinVar variation 129732 (VCV000129732.29), dbSNP rs41270201, ClinGen allele CA153960.